The following is an entry in ClinVar:

NM_014989.7(RIMS1):c.88G>C (p.Glu30Gln)

Gene: RIMS1 (regulating synaptic membrane exocytosis 1; plus strand). Cytogenetic location: 6q13.
Variant type: single nucleotide variant.
Coding change: c.88G>C on transcript NM_014989.7 (MANE Select); coding-DNA position 88, G replaced by C.
Protein change: p.Glu30Gln; replaces glutamic acid 30 with glutamine.
Molecular consequence: missense variant.
Genome position (GRCh38, 1-based): chr6:71,887,111, G>C. VCF-style: chr6-71887111-G-C. GRCh37 (hg19) VCF-style: chr6-72596814-G-C.
Other names: c.88G>C, p.Glu30Gln (NM_001350411.1, NM_001350412.1, NM_001350413.1); short protein forms E30Q.
Identifiers: ClinVar variation 1899613 (VCV001899613.5), dbSNP rs760847396, ClinGen allele CA3885379.

ClinVar aggregate classification (germline): Uncertain significance (1 of 4 stars; one submission).

Allele frequency attached by ClinVar (database versions not stated): ExAC 0.00001.
gnomAD v4.1: 11 of 1,613,472 alleles (0.00068%); highest among the groups gnomAD compares: Non-Finnish European, 0.00076%; no homozygotes.

Submission:

Labcorp Genetics (formerly Invitae), Labcorp
Classification: Uncertain significance. Last evaluated: 2022-01-03. Review status: criteria provided, single submitter. Criteria: Invitae Variant Classification Sherloc (09022015). Collection method: clinical testing. Allele origin: germline.
Comment: This sequence change replaces glutamic acid, which is acidic and polar, with glutamine, which is neutral and polar, at codon 30 of the RIMS1 protein (p.Glu30Gln). In summary, the available evidence is currently insufficient to determine the role of this variant in disease. Therefore, it has been classified as a Variant of Uncertain Significance. Algorithms developed to predict the effect of missense changes on protein structure and function are either unavailable or do not agree on the potential impact of this missense change (SIFT: "Deleterious"; PolyPhen-2: "Probably Damaging"; Align-GVGD: "Class C0"). This variant has not been reported in the literature in individuals affected with RIMS1-related conditions. This variant is present in population databases (rs760847396, gnomAD 0.002%).